The following is an entry in ClinVar:

NM_001122769.3(LCA5):c.556G>A (p.Glu186Lys)

Gene: LCA5 (lebercilin LCA5; minus strand). Cytogenetic location: 6q14.1.
Variant type: single nucleotide variant.
Coding change: c.556G>A on transcript NM_001122769.3 (MANE Select); coding-DNA position 556, G replaced by A.
Protein change: p.Glu186Lys; replaces glutamic acid 186 with lysine.
Molecular consequence: missense variant.
Genome position (GRCh38, 1-based): chr6:79,513,376, C>T on the plus strand (G>A on the coding strand, the complement: LCA5 is on the minus strand). VCF-style: chr6-79513376-C-T. GRCh37 (hg19) VCF-style: chr6-80223093-C-T.
Other names: c.556G>A, p.Glu186Lys (NM_181714.4); short protein forms E186K.
Identifiers: ClinVar variation 2961681 (VCV002961681.3), dbSNP rs750681198, ClinGen allele CA3901097.

ClinVar aggregate classification (germline): Uncertain significance (1 of 4 stars; one submission).

Allele frequency attached by ClinVar (database versions not stated): gnomAD exomes below 0.00001; ExAC 0.00002.
gnomAD v4.1: 6 of 1,613,918 alleles (0.00037%); highest among the groups gnomAD compares: South Asian, 0.0066%; no homozygotes.

Submission:

Labcorp Genetics (formerly Invitae), Labcorp
Classification: Uncertain significance. Last evaluated: 2024-01-01. Review status: criteria provided, single submitter. Criteria: Invitae Variant Classification Sherloc (09022015). Collection method: clinical testing. Allele origin: germline.
Comment: This sequence change replaces glutamic acid, which is acidic and polar, with lysine, which is basic and polar, at codon 186 of the LCA5 protein (p.Glu186Lys). This variant is present in population databases (rs750681198, gnomAD 0.006%). This variant has not been reported in the literature in individuals affected with LCA5-related conditions. Advanced modeling of protein sequence and biophysical properties (such as structural, functional, and spatial information, amino acid conservation, physicochemical variation, residue mobility, and thermodynamic stability) performed at Invitae indicates that this missense variant is expected to disrupt LCA5 protein function with a positive predictive value of 80%. In summary, the available evidence is currently insufficient to determine the role of this variant in disease. Therefore, it has been classified as a Variant of Uncertain Significance.